The following is an entry in ClinVar:

ClinVar aggregate classification (germline): Uncertain significance. Review status: criteria provided, multiple submitters, no conflicts (2 of 4 stars). 2 submissions from 2 submitters: Uncertain significance (2). Last evaluated 2024-01-08.

Conditions:
Autosomal dominant nonsyndromic hearing loss 20. Identifiers: Orphanet 90635, MedGen C1858172, MONDO:0011480, OMIM 604717.
Baraitser-winter syndrome 2. Identifiers: Orphanet 2995, MedGen C3281235, MONDO:0013812, OMIM 614583.

Allele frequency attached by ClinVar (database versions not stated): gnomAD exomes below 0.00001; ExAC 0.00001.

Submissions (2):

Fulgent Genetics
Classification: Uncertain significance for Autosomal dominant nonsyndromic hearing loss 20; Baraitser-winter syndrome 2. Last evaluated: 2024-01-08. Review status: criteria provided, single submitter. Criteria: ACMG Guidelines, 2015. Collection method: clinical testing. Allele origin: germline.

Labcorp Genetics (formerly Invitae), Labcorp
Classification: Uncertain significance for Baraitser-winter syndrome 2; Autosomal dominant nonsyndromic hearing loss 20. Last evaluated: 2021-06-06. Review status: criteria provided, single submitter. Criteria: Invitae Variant Classification Sherloc (09022015). Collection method: clinical testing. Allele origin: germline.
Comment: In summary, the available evidence is currently insufficient to determine the role of this variant in disease. Therefore, it has been classified as a Variant of Uncertain Significance. Experimental studies and prediction algorithms are not available or were not evaluated, and the functional significance of this variant is currently unknown. This variant, c.704_706del, results in the deletion of 1 amino acid(s) of the ACTG1 protein (p.Ser235del), but otherwise preserves the integrity of the reading frame. The frequency data for this variant in the population databases is considered unreliable, as metrics indicate poor data quality at this position in the ExAC database. This variant has not been reported in the literature in individuals with ACTG1-related conditions.

NM_001614.5(ACTG1):c.704_706del (p.Ser235del)

Gene: ACTG1 (actin gamma 1; minus strand). Cytogenetic location: 17q25.3.
Variant type: Deletion.
Coding change: c.704_706del on transcript NM_001614.5 (MANE Select); coding-DNA positions 704 to 706, 3 bases deleted (CTC; older notation c.704_706delCTC).
Protein change: p.Ser235del; deletes serine 235.
Molecular consequence: inframe deletion. On other transcripts: non-coding transcript variant (1).
Genome position (GRCh38, 1-based): chr17:81,511,284-81,511,286, GAG deleted on the plus strand (CTC on the coding strand, the reverse complement: ACTG1 is on the minus strand). VCF-style (leftmost placement, unchanged base first): chr17-81511283-AGAG-A. GRCh37 (hg19) VCF-style: chr17-79478309-AGAG-A.
Other names: c.704_706del, p.Ser235del (NM_001199954.3); short protein forms S235del.
Identifiers: ClinVar variation 1394755 (VCV001394755.9), dbSNP rs782541695, ClinGen allele CA8836009.